The following is an entry in ClinVar:

ClinVar aggregate classification (germline): Uncertain significance (1 of 4 stars; one submission).

Submission:

GeneDx
Classification: Uncertain significance. Last evaluated: 2020-01-30. Review status: criteria provided, single submitter. Criteria: GeneDx Variant Classification Process June 2021. Collection method: clinical testing. Allele origin: germline. Affected: yes.
Comment: Not observed in large population cohorts (Lek et al., 2016); In silico analysis, which includes protein predictors and evolutionary conservation, supports a deleterious effect; Has not been previously published as pathogenic or benign to our knowledge

NM_000751.3(CHRND):c.534G>C (p.Glu178Asp)

Gene: CHRND (cholinergic receptor nicotinic delta subunit; plus strand). Cytogenetic location: 2q37.1.
Variant type: single nucleotide variant.
Coding change: c.534G>C on transcript NM_000751.3 (MANE Select); coding-DNA position 534, G replaced by C.
Protein change: p.Glu178Asp; replaces glutamic acid 178 with aspartic acid.
Molecular consequence: missense variant. On other transcripts: intron variant (1).
Genome position (GRCh38, 1-based): chr2:232,528,886, G>C. VCF-style: chr2-232528886-G-C. GRCh37 (hg19) VCF-style: chr2-233393596-G-C.
Other names: c.489G>C, p.Glu163Asp (NM_001256657.2); c.231G>C, p.Glu77Asp (NM_001311196.2); c.238+230G>C (NM_001311195.2); short protein forms E163D, E178D, E77D.
Identifiers: ClinVar variation 1311942 (VCV001311942.2), dbSNP rs2106208922, ClinGen allele CA350998838.